The following is an entry in ClinVar:

NM_001042492.3(NF1):c.4880T>A (p.Val1627Asp)

Gene: NF1 (neurofibromin 1; plus strand). Cytogenetic location: 17q11.2.
Variant type: single nucleotide variant.
Coding change: c.4880T>A on transcript NM_001042492.3 (MANE Select); coding-DNA position 4880, T replaced by A.
Protein change: p.Val1627Asp; replaces valine 1627 with aspartic acid.
Molecular consequence: missense variant.
Genome position (GRCh38, 1-based): chr17:31,325,864, T>A. VCF-style: chr17-31325864-T-A. GRCh37 (hg19) VCF-style: chr17-29652882-T-A.
Other names: c.4817T>A, p.Val1606Asp (NM_000267.4); short protein forms V1606D, V1627D.
Identifiers: ClinVar variation 561702 (VCV000561702.11), dbSNP rs1567611231, ClinGen allele CA399007021.

ClinVar aggregate classification (germline): Pathogenic/Likely pathogenic. Review status: criteria provided, multiple submitters, no conflicts (2 of 4 stars). 4 submissions from 4 submitters: Pathogenic (1); Likely pathogenic (3). Last evaluated 2026-02-05.

Conditions:
Neurofibromatosis, type 1 (NF1). Also called: VON RECKLINGHAUSEN DISEASE; NEUROFIBROMATOSIS, TYPE I, SOMATIC; Peripheral type neurofibromatosis; Neurofibromatosis, type I. Identifiers: Orphanet 636, MedGen C0027831, MONDO:0018975, OMIM 162200. Disease mechanism: loss of function.

Allele frequency attached by ClinVar (database versions not stated): gnomAD exomes below 0.00001.
gnomAD v4.1: 1 of 1,614,214 alleles (0.000062%); highest among the groups gnomAD compares: Non-Finnish European, 0.000085%; no homozygotes.

Submissions (4):

GeneDx
Classification: Likely pathogenic. Last evaluated: 2026-02-05. Review status: criteria provided, single submitter. Criteria: GeneDx Variant Classification Process June 2021. Collection method: clinical testing. Allele origin: germline. Affected: yes.
Comment: Not observed at significant frequency in large population cohorts (gnomAD); In silico analysis supports that this missense variant has a deleterious effect on protein structure/function; This variant is associated with the following publications: (PMID: 24030381, 31766501)

ARUP Laboratories, Molecular Genetics and Genomics, ARUP Laboratories
Classification: Likely pathogenic. Last evaluated: 2023-05-02. Review status: criteria provided, single submitter. Criteria: ARUP Molecular Germline Variant Investigation Process 2024. Collection method: clinical testing. Allele origin: germline.
Comment: The NF1 c.4880T>A, p.Val1627Asp variant (rs1567611231), also known as p.Val1606Asp for NM_000267.3, is reported in the literature in an individual with affected with neurofibromatosis type 1 (Melloni 2019). This variant is also reported in ClinVar (Variation ID: 561702). This variant is also absent from the Genome Aggregation Database, indicating it is not a common polymorphism. Computational analyses predict that this variant is deleterious (REVEL: 0.872). Based on available information, this variant is considered to be likely pathogenic. References: Melloni G et al. Risk of Optic Pathway Glioma in Neurofibromatosis Type 1: No Evidence of Genotype-Phenotype Correlations in A Large Independent Cohort. Cancers (Basel). 2019 Nov 21;11(12):1838. PMID: 31766501.

Labcorp Genetics (formerly Invitae), Labcorp
Classification: Pathogenic for Neurofibromatosis, type 1. Last evaluated: 2022-05-27. Review status: criteria provided, single submitter. Criteria: Invitae Variant Classification Sherloc (09022015). Collection method: clinical testing. Allele origin: germline.
Comment: For these reasons, this variant has been classified as Pathogenic. Advanced modeling of protein sequence and biophysical properties (such as structural, functional, and spatial information, amino acid conservation, physicochemical variation, residue mobility, and thermodynamic stability) performed at Invitae indicates that this missense variant is expected to disrupt NF1 protein function. ClinVar contains an entry for this variant (Variation ID: 561702). This missense change has been observed in individual(s) with clinical features of neurofibromatosis type 1 (PMID: 31766501; Invitae; External communication). This variant is not present in population databases (gnomAD no frequency). This sequence change replaces valine, which is neutral and non-polar, with aspartic acid, which is acidic and polar, at codon 1606 of the NF1 protein (p.Val1606Asp).

Genome-Nilou Lab
Classification: Likely pathogenic for Neurofibromatosis, type 1. Last evaluated: 2022-03-15. Review status: criteria provided, single submitter. Criteria: ACMG Guidelines, 2015. Collection method: clinical testing. Allele origin: germline. Affected: no.

Literature cited by the submitters: PubMed 31766501 (cited by Labcorp Genetics (formerly Invitae), Labcorp).